The following is an entry in ClinVar:

NM_001374828.1(ARID1B):c.773G>C (p.Gly258Ala)

Genes: ARID1B (AT-rich interaction domain 1B; plus strand), LOC115308161 (uncharacterized LOC115308161; minus strand), LOC129997525 (ATAC-STARR-seq lymphoblastoid silent region 17712; plus strand). Cytogenetic location: 6q25.3.
Variant type: single nucleotide variant.
Coding change: c.773G>C on transcript NM_001374828.1 (MANE Select); coding-DNA position 773, G replaced by C.
Protein change: p.Gly258Ala; replaces glycine 258 with alanine.
Molecular consequence: missense variant. On other transcripts: non-coding transcript variant (1).
Genome position (GRCh38, 1-based): chr6:156,778,453, G>C. VCF-style: chr6-156778453-G-C. GRCh37 (hg19) VCF-style: chr6-157099587-G-C.
Other names: c.773G>C, p.Gly258Ala (NM_001371656.1, NM_001374820.1, NM_001438482.1 and 9 more transcripts); c.524G>C (NM_020732.3); short protein forms G258A.
Identifiers: ClinVar variation 4988488 (VCV004988488.1).
Genomic context (GRCh38, chr6:156,778,453, plus strand): 5'-AGCAGCCGCAACATGGAGGCGCCAAGGACAGTGCTGCGGGCGGCCAGGCCGACCCCCCGG[G>C]CCCGCCGCTGCTGAGCAAGCCGGGCGACGAGGACGACGCGCCGCCCAAGATGGGGGAGCC-3'
Protein context (NP_001361757.1, residues 248-268): SAAGGQADPP[Gly258Ala]PPLLSKPGDE

ClinVar aggregate classification (germline): Uncertain significance (1 of 4 stars; one submission).

Conditions:
ARID1B-Related Disorder. Identifiers: MedGen CN381337.

gnomAD v4.1: 1 of 1,402,824 alleles (0.000071%); highest among the groups gnomAD compares: Admixed American, 0.0032%; no homozygotes.

Submission:

PreventionGenetics, part of Exact Sciences
Classification: Uncertain significance for ARID1B-related condition. Last evaluated: 2025-05-10. Review status: criteria provided, single submitter. Criteria: ACMG Guidelines, 2015. Collection method: clinical testing. Allele origin: germline.
Comment: The ARID1B c.524G>C variant is predicted to result in the amino acid substitution p.Gly175Ala. To our knowledge, this variant has not been reported in the literature or in gnomAD, indicating that this variant is rare. At this time, the clinical significance of this variant is uncertain due to the absence of conclusive functional and genetic evidence.